The following is an entry in ClinVar:

NM_001378454.1(ALMS1):c.9607C>G (p.Gln3203Glu)

Gene: ALMS1 (ALMS1 centrosome and basal body associated protein; plus strand). Cytogenetic location: 2p13.1.
Variant type: single nucleotide variant.
Coding change: c.9607C>G on transcript NM_001378454.1 (MANE Select); coding-DNA position 9607, C replaced by G.
Protein change: p.Gln3203Glu; replaces glutamine 3203 with glutamic acid.
Molecular consequence: missense variant.
Genome position (GRCh38, 1-based): chr2:73,519,842, C>G. VCF-style: chr2-73519842-C-G. GRCh37 (hg19) VCF-style: chr2-73746969-C-G.
Other names: c.9610C>G, p.Gln3204Glu (NM_015120.4); short protein forms Q3203E, Q3204E.
Identifiers: ClinVar variation 1306528 (VCV001306528.2), dbSNP rs956247442, ClinGen allele CA347281030.
Genomic context (GRCh38, chr2:73,519,842, plus strand): 5'-GAGAAGATGAAGACCCCACTTTCTGCTTTCTCTGAAAAATTGTCATCTGATGCAGTCACT[C>G]AGATAACAACAGAAAGTCCAGAAAAGACCCTATTTTCATCTGAGATTTTTATTAATGCTG-3'
Protein context (NP_001365383.1, residues 3193-3213): SEKLSSDAVT[Gln3203Glu]ITTESPEKTL

ClinVar aggregate classification (germline): Uncertain significance (1 of 4 stars; one submission).

Submission:

GeneDx
Classification: Uncertain significance. Last evaluated: 2019-06-20. Review status: criteria provided, single submitter. Criteria: GeneDx Variant Classification Process June 2021. Collection method: clinical testing. Allele origin: germline. Affected: yes.
Comment: Not observed in large population cohorts (Lek et al., 2016); In silico analysis, which includes protein predictors and evolutionary conservation, supports that this variant does not alter protein structure/function; Has not been previously published as pathogenic or benign to our knowledge